The following is an entry in ClinVar:

NM_006514.4(SCN10A):c.3140G>T (p.Ser1047Ile)

Genes: SCN10A (sodium voltage-gated channel alpha subunit 10; minus strand), LOC110121288 (VISTA enhancer hs2268; plus strand). Cytogenetic location: 3p22.2.
Variant type: single nucleotide variant.
Coding change: c.3140G>T on transcript NM_006514.4 (MANE Select); coding-DNA position 3140, G replaced by T.
Protein change: p.Ser1047Ile; replaces serine 1047 with isoleucine.
Molecular consequence: missense variant.
Genome position (GRCh38, 1-based): chr3:38,725,262, C>A on the plus strand (G>T on the coding strand, the complement: SCN10A is on the minus strand). VCF-style: chr3-38725262-C-A. GRCh37 (hg19) VCF-style: chr3-38766753-C-A.
Other names: c.3137G>T, p.Ser1046Ile (NM_001293306.2); c.2846G>T, p.Ser949Ile (NM_001293307.2); short protein forms S1047I, S949I, S1046I.
Identifiers: ClinVar variation 3438112 (VCV003438112.1).

ClinVar aggregate classification (germline): Uncertain significance (1 of 4 stars; one submission).

Conditions:
Cardiovascular phenotype. Identifiers: MedGen CN230736.

gnomAD v4.1: 1 of 1,603,336 alleles (0.000062%); highest among the groups gnomAD compares: East Asian, 0.0022%; no homozygotes.

Submission:

Ambry Genetics
Classification: Uncertain significance for Cardiovascular phenotype. Last evaluated: 2024-09-15. Review status: criteria provided, single submitter. Criteria: Ambry Variant Classification Scheme 2023. Collection method: clinical testing. Allele origin: germline.
Comment: The p.S1047I variant (also known as c.3140G>T), located in coding exon 17 of the SCN10A gene, results from a G to T substitution at nucleotide position 3140. The serine at codon 1047 is replaced by isoleucine, an amino acid with dissimilar properties. This amino acid position is conserved. In addition, the in silico prediction for this alteration is inconclusive. Based on the available evidence, the clinical significance of this variant remains unclear.